The following is an entry in ClinVar:

NM_005359.6(SMAD4):c.961G>A (p.Glu321Lys)

Gene: SMAD4 (SMAD family member 4; plus strand). Cytogenetic location: 18q21.2.
Variant type: single nucleotide variant.
Coding change: c.961G>A on transcript NM_005359.6 (MANE Select); coding-DNA position 961, G replaced by A.
Protein change: p.Glu321Lys; replaces glutamic acid 321 with lysine.
Molecular consequence: missense variant.
Genome position (GRCh38, 1-based): chr18:51,065,428, G>A. VCF-style: chr18-51065428-G-A. GRCh37 (hg19) VCF-style: chr18-48591798-G-A.
Other names: c.961G>A, p.Glu321Lys (NM_001407041.1, NM_001407042.1, NM_001407043.1); short protein forms E321K.
Identifiers: ClinVar variation 1720062 (VCV001720062.8), dbSNP rs2144446324, ClinGen allele CA402464086.

ClinVar aggregate classification (germline): Uncertain significance. Review status: criteria provided, multiple submitters, no conflicts (2 of 4 stars). 2 submissions from 2 submitters: Uncertain significance (2). Last evaluated 2022-10-05.

Conditions:
Juvenile polyposis syndrome (JPS). Identifiers: Orphanet 2929, MedGen C0345893, MONDO:0017380, OMIM 174900.
Hereditary cancer-predisposing syndrome. Also called: Hereditary neoplastic syndrome; Tumor predisposition; Neoplastic Syndromes, Hereditary; Hereditary Cancer Syndrome. Identifiers: Orphanet 140162, MedGen C0027672, MeSH D009386, MONDO:0015356.
Familial thoracic aortic aneurysm and aortic dissection (TAAD). Also called: Thoracic aortic aneurysms and dissections. Identifiers: Orphanet 91387, MedGen C4707243, MONDO:0019625.

Submissions (2):

Ambry Genetics
Classification: Uncertain significance for Hereditary cancer-predisposing syndrome; Familial thoracic aortic aneurysm and aortic dissection. Last evaluated: 2022-10-05. Review status: criteria provided, single submitter. Criteria: Ambry Variant Classification Scheme 2023. Collection method: clinical testing. Allele origin: germline.
Comment: The p.E321K variant (also known as c.961G>A), located in coding exon 8 of the SMAD4 gene, results from a G to A substitution at nucleotide position 961. The glutamic acid at codon 321 is replaced by lysine, an amino acid with similar properties. This amino acid position is conserved. In addition, the in silico prediction for this alteration is inconclusive. Since supporting evidence is limited at this time, the clinical significance of this alteration remains unclear.

Labcorp Genetics (formerly Invitae), Labcorp
Classification: Uncertain significance for Juvenile polyposis syndrome. Last evaluated: 2022-09-22. Review status: criteria provided, single submitter. Criteria: Invitae Variant Classification Sherloc (09022015). Collection method: clinical testing. Allele origin: germline.
Comment: In summary, the available evidence is currently insufficient to determine the role of this variant in disease. Therefore, it has been classified as a Variant of Uncertain Significance. Advanced modeling of protein sequence and biophysical properties (such as structural, functional, and spatial information, amino acid conservation, physicochemical variation, residue mobility, and thermodynamic stability) has been performed at Invitae for this missense variant, however the output from this modeling did not meet the statistical confidence thresholds required to predict the impact of this variant on SMAD4 protein function. This sequence change replaces glutamic acid, which is acidic and polar, with lysine, which is basic and polar, at codon 321 of the SMAD4 protein (p.Glu321Lys). This variant is not present in population databases (gnomAD no frequency). This variant has not been reported in the literature in individuals affected with SMAD4-related conditions.